The following is an entry in ClinVar:

NM_005149.3(TBX19):c.*186G>A

Gene: TBX19 (T-box transcription factor 19; plus strand). Cytogenetic location: 1q24.2.
Variant type: single nucleotide variant.
Coding change: c.*186G>A on transcript NM_005149.3 (MANE Select); 186 bases downstream of the stop codon, G replaced by A.
Molecular consequence: 3 prime UTR variant.
Genome position (GRCh38, 1-based): chr1:168,313,188, G>A. VCF-style: chr1-168313188-G-A. GRCh37 (hg19) VCF-style: chr1-168282426-G-A.
Identifiers: ClinVar variation 293484 (VCV000293484.5), dbSNP rs10918869, ClinGen allele CA10608612.
Genomic context (GRCh38, chr1:168,313,188, plus strand): 5'-GTTATTACAGAAGTCATACTGGGAGAGGGTTCAGTTTGGATGATGCTAGTTAGATCATTT[G>A]CATCTCTCCACCATTTTCTTCTGCACTCCCATTTTCTCTGCAGCTTATTCTTGCCATGCT-3'

ClinVar aggregate classification (germline): Benign (1 of 4 stars; one submission).

Conditions:
Congenital isolated adrenocorticotropic hormone deficiency. Also called: ACTH DEFICIENCY, ISOLATED; ACTH deficiency; Adrenocorticotropic hormone deficiency. Identifiers: Orphanet 199296, MedGen C0342388, MONDO:0008720, OMIM 201400, HP:0011748.

Allele frequency attached by ClinVar (database versions not stated): gnomAD exomes 0.00136; gnomAD 0.01278 and 0.01378; TOPMed 0.01479; 1000 Genomes Project 30x 0.01671; 1000 Genomes Project 0.01677.
gnomAD v4.1: 2,693 of 677,460 alleles (0.4%); highest among the groups gnomAD compares: African/African-American, 4.3%; 50 homozygotes.

Submission:

Illumina Laboratory Services, Illumina
Classification: Benign for Congenital isolated adrenocorticotropic hormone deficiency. Last evaluated: 2018-01-12. Review status: criteria provided, single submitter. Criteria: ICSL Variant Classification Criteria 13 December 2019. Collection method: clinical testing. Allele origin: germline.
Comment: This variant was observed in the ICSL laboratory as part of a predisposition screen in an ostensibly healthy population. It had not been previously curated by ICSL or reported in the Human Gene Mutation Database (HGMD: prior to June 1st, 2018), and was therefore a candidate for classification through an automated scoring system. Utilizing variant allele frequency, disease prevalence and penetrance estimates, and inheritance mode, an automated score was calculated to assess if this variant is too frequent to cause the disease. Based on the score and internal cut-off values, a variant classified as benign is not then subjected to further curation. The score for this variant resulted in a classification of benign for this disease.